The following is an entry in ClinVar:

NM_001258392.3(CLPB):c.818T>C (p.Leu273Ser)

Gene: CLPB (ClpB family mitochondrial disaggregase; minus strand). Cytogenetic location: 11q13.4.
Variant type: single nucleotide variant.
Coding change: c.818T>C on transcript NM_001258392.3 (MANE Select); coding-DNA position 818, T replaced by C.
Protein change: p.Leu273Ser; replaces leucine 273 with serine.
Molecular consequence: missense variant.
Genome position (GRCh38, 1-based): chr11:72,329,762, A>G on the plus strand (T>C on the coding strand, the complement: CLPB is on the minus strand). VCF-style: chr11-72329762-A-G. GRCh37 (hg19) VCF-style: chr11-72040806-A-G.
Other names: c.731T>C, p.Leu244Ser (NM_001258393.3); c.773T>C, p.Leu258Ser (NM_001258394.3); c.908T>C, p.Leu303Ser (NM_030813.6); short protein forms L244S, L258S, L273S, L303S.
Identifiers: ClinVar variation 4822990 (VCV004822990.4).

ClinVar aggregate classification (germline): Uncertain significance (1 of 4 stars; one submission).

gnomAD v4.1: 1 of 1,613,992 alleles (0.000062%); highest among the groups gnomAD compares: Admixed American, 0.0017%; no homozygotes.

Submission:

CeGaT Center for Human Genetics Tuebingen
Classification: Uncertain significance. Last evaluated: 2026-01-01. Review status: criteria provided, single submitter. Criteria: CeGaT Center For Human Genetics Tuebingen Variant Classification Criteria Version 2. Collection method: clinical testing. Allele origin: germline. Affected: yes. Observed: 1 variant allele.
Comment: CLPB: PM2, BP4